The following is an entry in ClinVar:

ClinVar aggregate classification (germline): Uncertain significance (1 of 4 stars; one submission).

Conditions:
Left ventricular noncompaction 8 (LVNC8). Identifiers: Orphanet 154, Orphanet 54260, MedGen C3809288, MONDO:0014152, OMIM 615373.

Allele frequency attached by ClinVar (database versions not stated): gnomAD exomes 0.00001 and 0.00002; TOPMed 0.00002; ExAC 0.00005.
gnomAD v4.1: 16 of 1,578,072 alleles (0.001%); highest among the groups gnomAD compares: East Asian, 0.0069%; no homozygotes.

Submission:

Labcorp Genetics (formerly Invitae), Labcorp
Classification: Uncertain significance for Left ventricular noncompaction 8. Last evaluated: 2024-01-16. Review status: criteria provided, single submitter. Criteria: Invitae Variant Classification Sherloc (09022015). Collection method: clinical testing. Allele origin: germline.
Comment: This sequence change replaces arginine, which is basic and polar, with histidine, which is basic and polar, at codon 812 of the PRDM16 protein (p.Arg812His). The frequency data for this variant in the population databases is considered unreliable, as metrics indicate poor data quality at this position in the gnomAD database. This variant has not been reported in the literature in individuals affected with PRDM16-related conditions. ClinVar contains an entry for this variant (Variation ID: 1374285). An algorithm developed to predict the effect of missense changes on protein structure and function (PolyPhen-2) suggests that this variant is likely to be disruptive. In summary, the available evidence is currently insufficient to determine the role of this variant in disease. Therefore, it has been classified as a Variant of Uncertain Significance.

NM_022114.4(PRDM16):c.2435G>A (p.Arg812His)

Gene: PRDM16 (PR/SET domain 16; plus strand). Cytogenetic location: 1p36.32.
Variant type: single nucleotide variant.
Coding change: c.2435G>A on transcript NM_022114.4 (MANE Select); coding-DNA position 2435, G replaced by A.
Protein change: p.Arg812His; replaces arginine 812 with histidine.
Molecular consequence: missense variant.
Genome position (GRCh38, 1-based): chr1:3,412,632, G>A. VCF-style: chr1-3412632-G-A. GRCh37 (hg19) VCF-style: chr1-3329196-G-A.
Other names: c.2435G>A, p.Arg812His (NM_199454.3); short protein forms R812H.
Identifiers: ClinVar variation 1374285 (VCV001374285.8), dbSNP rs764936593, ClinGen allele CA544475.